The following is an entry in ClinVar:

ClinVar aggregate classification (germline): Uncertain significance. Review status: criteria provided, multiple submitters, no conflicts (2 of 4 stars). 4 submissions from 4 submitters: Uncertain significance (4). Last evaluated 2025-12-29.

Conditions:
Carney-Stratakis syndrome. Also called: PARAGANGLIOMA AND GASTROINTESTINAL STROMAL TUMOR. Identifiers: Orphanet 97286, MedGen C1847319, MONDO:0011740, OMIM 606864.
Paragangliomas with sensorineural hearing loss. Identifiers: MedGen C1868633.
Cowden syndrome 3 (CWS3). Identifiers: Orphanet 201, MedGen CN166604, MONDO:0014045.
Pheochromocytoma. Also called: MAX-Related Hereditary Paraganglioma-Pheochromocytoma Syndrome. Identifiers: Orphanet 29072, MedGen C0031511, MONDO:0008233, OMIM 171300, HP:0002666.
Hereditary cancer-predisposing syndrome. Also called: Neoplastic Syndromes, Hereditary; Hereditary Cancer Syndrome; Tumor predisposition; Hereditary neoplastic syndrome. Identifiers: Orphanet 140162, MedGen C0027672, MeSH D009386, MONDO:0015356.
Hereditary pheochromocytoma and paraganglioma. Also called: Hereditary Paraganglioma-Pheochromocytoma Syndromes; Hereditary paragangliomas and pheochromocytomas; Hereditary pheochromocytoma-paraganglioma. Identifiers: Orphanet 29072, MedGen C4274332, MONDO:0017366.

Allele frequency attached by ClinVar (database versions not stated): TOPMed below 0.00001; gnomAD 0.00001; gnomAD exomes 0.00001 and 0.00003; ExAC 0.00005.
gnomAD v4.1: 18 of 1,614,006 alleles (0.0011%); highest among the groups gnomAD compares: South Asian, 0.02%; 1 homozygote.

Submissions (4):

Center for Genomic Medicine, Rigshospitalet, Copenhagen University Hospital
Classification: Uncertain significance. Last evaluated: 2025-12-29. Review status: criteria provided, single submitter. Criteria: ACMG Guidelines, 2015. Collection method: clinical testing. Allele origin: germline.

Labcorp Genetics (formerly Invitae), Labcorp
Classification: Uncertain significance for Carney-Stratakis syndrome; Paragangliomas with sensorineural hearing loss; Pheochromocytoma; Cowden syndrome 3. Last evaluated: 2025-07-18. Review status: criteria provided, single submitter. Criteria: Invitae Variant Classification Sherloc (09022015). Collection method: clinical testing. Allele origin: germline.
Comment: This sequence change replaces alanine, which is neutral and non-polar, with valine, which is neutral and non-polar, at codon 13 of the SDHD protein (p.Ala13Val). This variant is present in population databases (rs750080041, gnomAD 0.02%). This variant has not been reported in the literature in individuals affected with SDHD-related conditions. ClinVar contains an entry for this variant (Variation ID: 570468). Invitae Evidence Modeling of protein sequence and biophysical properties (such as structural, functional, and spatial information, amino acid conservation, physicochemical variation, residue mobility, and thermodynamic stability) indicates that this missense variant is not expected to disrupt SDHD protein function with a negative predictive value of 95%. In summary, the available evidence is currently insufficient to determine the role of this variant in disease. Therefore, it has been classified as a Variant of Uncertain Significance.

All of Us Research Program, National Institutes of Health
Classification: Uncertain significance for Hereditary pheochromocytoma and paraganglioma. Last evaluated: 2023-08-15. Review status: criteria provided, single submitter. Criteria: ACMG Guidelines, 2015. Collection method: clinical testing. Allele origin: germline. Inheritance: Autosomal dominant inheritance. Observed: 1 variant allele, 1 heterozygote.
Comment: This study involves interpretation of variants in research participants for the purpose of population health screening. Participant phenotype was not available at the time of variant classification. Additional details can be found in publication PMID: 35346344, PMCID: PMC8962531

Ambry Genetics
Classification: Uncertain significance for Hereditary cancer-predisposing syndrome. Last evaluated: 2023-08-08. Review status: criteria provided, single submitter. Criteria: Ambry Variant Classification Scheme 2023. Collection method: clinical testing. Allele origin: germline.
Comment: The p.A13V variant (also known as c.38C>T), located in coding exon 1 of the SDHD gene, results from a C to T substitution at nucleotide position 38. The alanine at codon 13 is replaced by valine, an amino acid with similar properties. This amino acid position is not well conserved in available vertebrate species. In addition, the in silico prediction for this alteration is inconclusive. Since supporting evidence is limited at this time, the clinical significance of this alteration remains unclear.

NM_003002.4(SDHD):c.38C>T (p.Ala13Val)

Genes: SDHD (succinate dehydrogenase complex subunit D; plus strand), LOC126861339 (BRD4-independent group 4 enhancer GRCh37_chr11:111957035-111958234; plus strand). Cytogenetic location: 11q23.1.
Variant type: single nucleotide variant.
Coding change: c.38C>T on transcript NM_003002.4 (MANE Select); coding-DNA position 38, C replaced by T.
Protein change: p.Ala13Val; replaces alanine 13 with valine.
Molecular consequence: missense variant. On other transcripts: non-coding transcript variant (1).
Genome position (GRCh38, 1-based): chr11:112,086,945, C>T. VCF-style: chr11-112086945-C-T. GRCh37 (hg19) VCF-style: chr11-111957669-C-T.
Other names: c.38C>T, p.Ala13Val (NM_001276503.2, NM_001276504.2, NM_001276506.2); short protein forms A13V.
Identifiers: ClinVar variation 570468 (VCV000570468.10), dbSNP rs750080041, ClinGen allele CA071344.